The following is an entry in ClinVar:

ClinVar aggregate classification (germline): Conflicting classifications of pathogenicity. Review status: criteria provided, conflicting classifications (1 of 4 stars). 2 submissions from 2 submitters: Uncertain significance (1); Likely benign (1). Last evaluated 2025-09-01.

Allele frequency attached by ClinVar (database versions not stated): gnomAD 0.00029; ExAC 0.00030; TOPMed 0.00032; ESP Exome Variant Server 0.00038.
gnomAD v4.1: 887 of 1,614,140 alleles (0.055%); highest among the groups gnomAD compares: Non-Finnish European, 0.065%; no homozygotes.

Submissions (2):

CeGaT Center for Human Genetics Tuebingen
Classification: Likely benign. Last evaluated: 2025-09-01. Review status: criteria provided, single submitter. Criteria: CeGaT Center For Human Genetics Tuebingen Variant Classification Criteria Version 2. Collection method: clinical testing. Allele origin: germline. Affected: yes. Observed: 2 variant alleles.
Comment: DNAH3: BP4

Ambry Genetics
Classification: Uncertain significance. Last evaluated: 2022-08-30. Review status: criteria provided, single submitter. Criteria: Ambry Variant Classification Scheme 2023. Collection method: clinical testing. Allele origin: germline.

NM_001347886.2(DNAH3):c.7850C>T (p.Thr2617Met)

Gene: DNAH3 (dynein axonemal heavy chain 3; minus strand). Cytogenetic location: 16p12.3.
Variant type: single nucleotide variant.
Coding change: c.7850C>T on transcript NM_001347886.2 (MANE Select); coding-DNA position 7850, C replaced by T.
Protein change: p.Thr2617Met; replaces threonine 2617 with methionine.
Molecular consequence: missense variant.
Genome position (GRCh38, 1-based): chr16:20,979,418, G>A on the plus strand (C>T on the coding strand, the complement: DNAH3 is on the minus strand). VCF-style: chr16-20979418-G-A. GRCh37 (hg19) VCF-style: chr16-20990740-G-A.
Other names: c.7988C>T (NM_017539.1); c.7988C>T, p.Thr2663Met (NM_017539.2); short protein forms T2617M, T2663M.
Identifiers: ClinVar variation 2646293 (VCV002646293.25), dbSNP rs145375625, ClinGen allele CA7946649.